The following is an entry in ClinVar:

NM_000548.5(TSC2):c.1958G>A (p.Arg653Lys)

Gene: TSC2 (TSC complex subunit 2; plus strand). Cytogenetic location: 16p13.3.
Variant type: single nucleotide variant.
Coding change: c.1958G>A on transcript NM_000548.5 (MANE Select); coding-DNA position 1958, G replaced by A.
Protein change: p.Arg653Lys; replaces arginine 653 with lysine.
Molecular consequence: missense variant.
Genome position (GRCh38, 1-based): chr16:2,071,795, G>A. VCF-style: chr16-2071795-G-A. GRCh37 (hg19) VCF-style: chr16-2121796-G-A.
Other names: c.1958G>A, p.Arg653Lys (NM_001077183.3, NM_001114382.3, NM_001363528.2 and 3 more transcripts); c.1847G>A, p.Arg616Lys (NM_001318827.2); c.1811G>A, p.Arg604Lys (NM_001318829.2); c.1358G>A, p.Arg453Lys (NM_001318831.2); c.1991G>A, p.Arg664Lys (NM_001318832.2); short protein forms R653K, R604K, R453K, R616K, R664K.
Identifiers: ClinVar variation 229799 (VCV000229799.15), dbSNP rs876658202, ClinGen allele CA10579878.
Genomic context (GRCh38, chr16:2,071,795, plus strand): 5'-CGTTCCTGCTGCGGGGACTTGGCCTCAGCTGCTTCTCTTGCTTCTGCAGGGAGCCAGAGA[G>A]AGGCTCTGAGAAGAAGACCAGCGGCCCCCTTTCTCCTCCCACAGGGCCTCCTGGCCCGGC-3'
Protein context (NP_000539.2, residues 643-663): YCVCDYMEPE[Arg653Lys]GSEKKTSGPL

ClinVar aggregate classification (germline): Uncertain significance. Review status: criteria provided, multiple submitters, no conflicts (2 of 4 stars). 3 submissions from 3 submitters: Uncertain significance (3). Last evaluated 2024-10-14.

Conditions:
Hereditary cancer-predisposing syndrome. Also called: Hereditary Cancer Syndrome; Neoplastic Syndromes, Hereditary; Tumor predisposition; Hereditary neoplastic syndrome. Identifiers: Orphanet 140162, MedGen C0027672, MeSH D009386, MONDO:0015356.
Isolated focal cortical dysplasia type II (FCORD2). Also called: CORTICAL DYSPLASIA OF TAYLOR; Focal cortical dysplasia type II. Identifiers: Orphanet 268994, MedGen C1846385, MONDO:0011818, OMIM 607341, HP:0032051.
Tuberous sclerosis 2 (TSC2). Identifiers: Orphanet 805, MedGen C1860707, MONDO:0013199, OMIM 613254.

Submissions (3):

Ambry Genetics
Classification: Uncertain significance for Hereditary cancer-predisposing syndrome. Last evaluated: 2024-10-14. Review status: criteria provided, single submitter. Criteria: Ambry Variant Classification Scheme 2023. Collection method: clinical testing. Allele origin: germline.
Comment: The p.R653K variant (also known as c.1958G>A), located in coding exon 18 of the TSC2 gene, results from a G to A substitution at nucleotide position 1958. The arginine at codon 653 is replaced by lysine, an amino acid with highly similar properties. This amino acid position is not well conserved in available vertebrate species. In addition, the in silico prediction for this alteration is inconclusive. Based on the available evidence, the clinical significance of this variant remains unclear.

Labcorp Genetics (formerly Invitae), Labcorp
Classification: Uncertain significance for Tuberous sclerosis 2. Last evaluated: 2024-04-16. Review status: criteria provided, single submitter. Criteria: Invitae Variant Classification Sherloc (09022015). Collection method: clinical testing. Allele origin: germline.
Comment: This sequence change replaces arginine, which is basic and polar, with lysine, which is basic and polar, at codon 653 of the TSC2 protein (p.Arg653Lys). This variant is not present in population databases (gnomAD no frequency). This variant has not been reported in the literature in individuals affected with TSC2-related conditions. ClinVar contains an entry for this variant (Variation ID: 229799). Advanced modeling of protein sequence and biophysical properties (such as structural, functional, and spatial information, amino acid conservation, physicochemical variation, residue mobility, and thermodynamic stability) performed at Invitae indicates that this missense variant is not expected to disrupt TSC2 protein function with a negative predictive value of 95%. In summary, the available evidence is currently insufficient to determine the role of this variant in disease. Therefore, it has been classified as a Variant of Uncertain Significance.

Baylor Genetics
Classification: Uncertain significance for Isolated focal cortical dysplasia type II. Last evaluated: 2023-12-18. Review status: criteria provided, single submitter. Criteria: ACMG Guidelines, 2015. Collection method: clinical testing. Allele origin: unknown.